The following is an entry in ClinVar:

NM_000440.3(PDE6A):c.133G>A (p.Asp45Asn)

Gene: PDE6A (phosphodiesterase 6A; minus strand). Cytogenetic location: 5q32.
Variant type: single nucleotide variant.
Coding change: c.133G>A on transcript NM_000440.3 (MANE Select); coding-DNA position 133, G replaced by A.
Protein change: p.Asp45Asn; replaces aspartic acid 45 with asparagine.
Molecular consequence: missense variant.
Genome position (GRCh38, 1-based): chr5:149,944,541, C>T on the plus strand (G>A on the coding strand, the complement: PDE6A is on the minus strand). VCF-style: chr5-149944541-C-T. GRCh37 (hg19) VCF-style: chr5-149324104-C-T.
Other names: c.133G>A, p.Asp45Asn (NM_001410788.1); short protein forms D45N.
Identifiers: ClinVar variation 2066827 (VCV002066827.5), dbSNP rs374196483, ClinGen allele CA3505136.

ClinVar aggregate classification (germline): Uncertain significance. Review status: criteria provided, multiple submitters, no conflicts (2 of 4 stars). 2 submissions from 2 submitters: Uncertain significance (2). Last evaluated 2022-09-15.

Allele frequency attached by ClinVar (database versions not stated): gnomAD exomes below 0.00001; ExAC 0.00001; gnomAD 0.00002; ESP Exome Variant Server 0.00008.
gnomAD v4.1: 5 of 1,613,950 alleles (0.00031%); highest among the groups gnomAD compares: African/African-American, 0.004%; no homozygotes.

Submissions (2):

Blueprint Genetics
Classification: Uncertain significance. Last evaluated: 2022-09-15. Review status: criteria provided, single submitter. Criteria: ACMG Guidelines, 2015. Collection method: clinical testing. Allele origin: germline.

Labcorp Genetics (formerly Invitae), Labcorp
Classification: Uncertain significance. Last evaluated: 2022-01-17. Review status: criteria provided, single submitter. Criteria: Invitae Variant Classification Sherloc (09022015). Collection method: clinical testing. Allele origin: germline.
Comment: In summary, the available evidence is currently insufficient to determine the role of this variant in disease. Therefore, it has been classified as a Variant of Uncertain Significance. This sequence change replaces aspartic acid, which is acidic and polar, with asparagine, which is neutral and polar, at codon 45 of the PDE6A protein (p.Asp45Asn). This variant is present in population databases (rs374196483, gnomAD 0.01%). This variant has not been reported in the literature in individuals affected with PDE6A-related conditions. Algorithms developed to predict the effect of missense changes on protein structure and function are either unavailable or do not agree on the potential impact of this missense change (SIFT: "Deleterious"; PolyPhen-2: "Benign"; Align-GVGD: "Class C0").